The following is an entry in ClinVar:

NM_014974.3(DIP2C):c.3302C>T (p.Ala1101Val)

Genes: DIP2C (DIP2 acetate--CoA ligase C (putative); minus strand), LOC126860805 (BRD4-independent group 4 enhancer GRCh37_chr10:390524-391723; plus strand). Cytogenetic location: 10p15.3.
Variant type: single nucleotide variant.
Coding change: c.3302C>T on transcript NM_014974.3 (MANE Select); coding-DNA position 3302, C replaced by T.
Protein change: p.Ala1101Val; replaces alanine 1101 with valine.
Molecular consequence: missense variant.
Genome position (GRCh38, 1-based): chr10:345,040, G>A on the plus strand (C>T on the coding strand, the complement: DIP2C is on the minus strand). VCF-style: chr10-345040-G-A. GRCh37 (hg19) VCF-style: chr10-390980-G-A.
Other names: c.3302C>T (NM_014974.2); short protein forms A1101V.
Identifiers: ClinVar variation 2729725 (VCV002729725.4), dbSNP rs752978080, ClinGen allele CA5380028.

ClinVar aggregate classification (germline): Uncertain significance. Review status: criteria provided, multiple submitters, no conflicts (2 of 4 stars). 2 submissions from 2 submitters: Uncertain significance (2). Last evaluated 2025-05-08.

Conditions:
Inborn genetic diseases. Identifiers: MedGen C0950123, MeSH D030342.

Allele frequency attached by ClinVar (database versions not stated): ExAC 0.00005; TOPMed below 0.00001; gnomAD exomes 0.00003.
gnomAD v4.1: 39 of 1,613,480 alleles (0.0024%); highest among the groups gnomAD compares: East Asian, 0.031%; no homozygotes.

Submissions (2):

Labcorp Genetics (formerly Invitae), Labcorp
Classification: Uncertain significance. Last evaluated: 2025-05-08. Review status: criteria provided, single submitter. Criteria: Invitae Variant Classification Sherloc (09022015). Collection method: clinical testing. Allele origin: germline.
Comment: This sequence change replaces alanine, which is neutral and non-polar, with valine, which is neutral and non-polar, at codon 1101 of the DIP2C protein (p.Ala1101Val). This variant is present in population databases (rs752978080, gnomAD 0.05%), and has an allele count higher than expected for a pathogenic variant. This variant has not been reported in the literature in individuals affected with DIP2C-related conditions. ClinVar contains an entry for this variant (Variation ID: 2729725). An algorithm developed to predict the effect of missense changes on protein structure and function (PolyPhen-2) suggests that this variant is likely to be disruptive. In summary, the available evidence is currently insufficient to determine the role of this variant in disease. Therefore, it has been classified as a Variant of Uncertain Significance.

Ambry Genetics
Classification: Uncertain significance for Inborn genetic diseases. Last evaluated: 2024-02-06. Review status: criteria provided, single submitter. Criteria: Ambry Variant Classification Scheme 2023. Collection method: clinical testing. Allele origin: germline.